The following is an entry in ClinVar:

ClinVar aggregate classification (germline): Pathogenic/Likely pathogenic. Review status: criteria provided, multiple submitters, no conflicts (2 of 4 stars). 2 submissions from 2 submitters: Pathogenic (1); Likely pathogenic (1). Last evaluated 2025-06-20.

Conditions:
Inborn genetic diseases. Identifiers: MedGen C0950123, MeSH D030342.

Submissions (2):

Ambry Genetics
Classification: Likely pathogenic for Inborn genetic diseases. Last evaluated: 2025-06-20. Review status: criteria provided, single submitter. Criteria: Ambry Variant Classification Scheme 2023. Collection method: clinical testing. Allele origin: germline.
Comment: The c.355C>T (p.R119W) alteration is located in exon 1 (coding exon 1) of the SOX11 gene. This alteration results from a C to T substitution at nucleotide position 355, causing the arginine (R) at amino acid position 119 to be replaced by a tryptophan (W). This variant was not reported in population-based cohorts in the Genome Aggregation Database (gnomAD). This variant was determined to be de novo in at least one individual with features consistent with SOX11-related neurodevelopmental disorder (external communication). This amino acid position is highly conserved in available vertebrate species. This missense alteration is located in a region that has a low rate of benign missense variation (Lek, 2016; Firth, 2009). This alteration is predicted to be deleterious by in silico analysis. Based on the available evidence, this alteration is classified as likely pathogenic.

Labcorp Genetics (formerly Invitae), Labcorp
Classification: Pathogenic. Last evaluated: 2023-01-07. Review status: criteria provided, single submitter. Criteria: Invitae Variant Classification Sherloc (09022015). Collection method: clinical testing. Allele origin: germline.
Comment: For these reasons, this variant has been classified as Pathogenic. Advanced modeling of protein sequence and biophysical properties (such as structural, functional, and spatial information, amino acid conservation, physicochemical variation, residue mobility, and thermodynamic stability) performed at Invitae indicates that this missense variant is expected to disrupt SOX11 protein function. ClinVar contains an entry for this variant (Variation ID: 1509978). This missense change has been observed in individual(s) with clinical features of SOX11-related conditions (Invitae). In at least one individual the variant was observed to be de novo. This variant is not present in population databases (gnomAD no frequency). This sequence change replaces arginine, which is basic and polar, with tryptophan, which is neutral and slightly polar, at codon 119 of the SOX11 protein (p.Arg119Trp).

NM_003108.4(SOX11):c.355C>T (p.Arg119Trp)

Gene: SOX11 (SRY-box transcription factor 11; plus strand). Cytogenetic location: 2p25.2.
Variant type: single nucleotide variant.
Coding change: c.355C>T on transcript NM_003108.4 (MANE Select); coding-DNA position 355, C replaced by T.
Protein change: p.Arg119Trp; replaces arginine 119 with tryptophan.
Molecular consequence: missense variant.
Genome position (GRCh38, 1-based): chr2:5,693,076, C>T. VCF-style: chr2-5693076-C-T. GRCh37 (hg19) VCF-style: chr2-5833208-C-T.
Other names: c.355C>T (NM_003108.3); short protein forms R119W.
Identifiers: ClinVar variation 1509978 (VCV001509978.9), dbSNP rs2103276445, ClinGen allele CA345866534.